The following is an entry in ClinVar:

NM_182931.3(KMT2E):c.1143T>C (p.Phe381=)

Gene: KMT2E (lysine methyltransferase 2E (inactive); plus strand). Cytogenetic location: 7q22.3.
Variant type: single nucleotide variant.
Coding change: c.1143T>C on transcript NM_182931.3 (MANE Select); coding-DNA position 1143, T replaced by C.
Protein change: p.Phe381=; no amino-acid change (phenylalanine 381 retained).
Molecular consequence: synonymous variant.
Genome position (GRCh38, 1-based): chr7:105,078,858, T>C. VCF-style: chr7-105078858-T-C. GRCh37 (hg19) VCF-style: chr7-104719305-T-C.
Other names: c.1143T>C, p.Phe381= (NM_018682.4).
Identifiers: ClinVar variation 757584 (VCV000757584.20), dbSNP rs753249523, ClinGen allele CA4423937.
Genomic context (GRCh38, chr7:105,078,858, plus strand): 5'-ATGCCCGGCCTAAAATGTTAATAGCTTATAATGTTTCTTTCTTTGTAGACCATACCCTTT[T>C]GTGTTATTCTACTCTAAATTTCATGGGCTAGAAATGTGTGTTGATGCAAGGACTTTTGGG-3'
Protein context (NP_891847.1, residues 371-391): NGYFFKRPYP[Phe381=]VLFYSKFHGL

ClinVar aggregate classification (germline): Likely benign. Review status: criteria provided, multiple submitters, no conflicts (2 of 4 stars). 2 submissions from 2 submitters: Likely benign (2). Last evaluated 2024-07-01.

Allele frequency attached by ClinVar (database versions not stated): gnomAD 0.00003 and 0.00004; TOPMed 0.00003; ExAC 0.00004; gnomAD exomes 0.00004 and 0.00006.
gnomAD v4.1: 99 of 1,573,008 alleles (0.0063%); highest among the groups gnomAD compares: Non-Finnish European, 0.0076%; no homozygotes.

Submissions (2):

CeGaT Center for Human Genetics Tuebingen
Classification: Likely benign. Last evaluated: 2024-07-01. Review status: criteria provided, single submitter. Criteria: CeGaT Center For Human Genetics Tuebingen Variant Classification Criteria Version 2. Collection method: clinical testing. Allele origin: germline. Affected: yes. Observed: 1 variant allele.
Comment: KMT2E: BP4, BS1

Labcorp Genetics (formerly Invitae), Labcorp
Classification: Likely benign. Last evaluated: 2018-09-19. Review status: criteria provided, single submitter. Criteria: Invitae Variant Classification Sherloc (09022015). Collection method: clinical testing. Allele origin: germline.